The following is an entry in ClinVar:

NM_007294.4(BRCA1):c.1335_1336del (p.Arg446fs)

Gene: BRCA1 (BRCA1 DNA repair associated; minus strand). Cytogenetic location: 17q21.31.
Variant type: Deletion.
Coding change: c.1335_1336del on transcript NM_007294.4 (MANE Select); coding-DNA positions 1335 to 1336, 2 bases deleted (AA; older notation c.1335_1336delAA).
Protein change: p.Arg446fs; shifts the reading frame from arginine 446.
Molecular consequence: frameshift variant. On other transcripts: intron variant (137).
Genome position (GRCh38, 1-based): chr17:43,094,195-43,094,196, TT deleted on the plus strand (AA on the coding strand, the reverse complement: BRCA1 is on the minus strand); deleting any 2 consecutive bases within chr17:43,094,195-43,094,197 gives the same sequence; the c. name uses the placement nearest the transcript's 3' end. VCF-style (leftmost placement, unchanged base first): chr17-43094194-CTT-C. GRCh37 (hg19) VCF-style: chr17-41246211-CTT-C.
Other names: 1454delAA; c.1335_1336delAA (NM_007294.3); c.460+1650_460+1651del (NM_001408506.1, NM_001408507.1); c.577+548_577+549del (NM_001408481.1, NM_001408480.1, NM_001408492.1 and 9 more transcripts); c.778+548_778+549del (NM_001408408.1); c.661+548_661+549del (NM_001408446.1, NM_001408435.1, NM_001408448.1 and 6 more transcripts); c.784+548_784+549del (NM_001408401.1, NM_001408396.1, NM_001407985.1 and 13 more transcripts); c.548-3164_548-3163del (NM_001408494.1); and 42 more; short protein forms R399fs, R446fs, R278fs, R335fs, R357fs, R398fs, R318fs, R319fs.
Identifiers: ClinVar variation 54205 (VCV000054205.16), dbSNP rs80357978, ClinGen allele CA000871.

ClinVar aggregate classification (germline): Pathogenic. Review status: reviewed by expert panel (3 of 4 stars). 6 submissions from 6 submitters: Pathogenic (1). 5 of the submissions do not count toward it. Last evaluated 2016-09-08.

Conditions:
Hereditary cancer-predisposing syndrome. Also called: Tumor predisposition; Neoplastic Syndromes, Hereditary; Hereditary Cancer Syndrome; Hereditary neoplastic syndrome. Identifiers: Orphanet 140162, MedGen C0027672, MeSH D009386, MONDO:0015356.
Hereditary breast ovarian cancer syndrome. Also called: Hereditary breast and ovarian cancer syndrome (HBOC); Hereditary breast and ovarian cancer syndrome; Hereditary breast and ovarian cancer; Hereditary breast and/or ovarian cancer syndrome; Breast and ovarian cancer; BRCA1- and BRCA2-Associated Hereditary Breast and Ovarian Cancer. Identifiers: Orphanet 145, MedGen C0677776, MeSH D061325, MONDO:0003582. Disease mechanism: loss of function.
Breast-ovarian cancer, familial, susceptibility to, 1 (BROVCA1). Also called: OVARIAN CANCER, SUSCEPTIBILITY TO; BRCA1 Hereditary Breast and Ovarian Cancer. Identifiers: Orphanet 145, MedGen C2676676, MONDO:0011450, OMIM 604370. Disease mechanism: loss of function.

Submissions (6):

Evidence-based Network for the Interpretation of Germline Mutant Alleles (ENIGMA)
Classification: Pathogenic for Breast-ovarian cancer, familial, susceptibility to, 1. Last evaluated: 2016-09-08. Review status: reviewed by expert panel. Criteria: ENIGMA BRCA1/2 Classification Criteria (2015). Collection method: curation. Allele origin: germline.
Comment: Variant allele predicted to encode a truncated non-functional protein.

Color Diagnostics, LLC DBA Color Health
Classification: Pathogenic for Hereditary cancer-predisposing syndrome. Last evaluated: 2023-12-28. Review status: criteria provided, single submitter. Criteria: ACMG Guidelines, 2015. Collection method: clinical testing. Allele origin: germline. Not counted in ClinVar's aggregate classification.
Comment: This variant deletes 2 nucleotides in exon 10 of the BRCA1 gene, creating a frameshift and premature translation stop signal. This variant is expected to result in an absent or non-functional protein product. This variant has been detected in a suspected hereditary breast and ovarian cancer family (PMID: 14648706, 29446198). This variant has not been identified in the general population by the Genome Aggregation Database (gnomAD). Loss of BRCA1 function is a known mechanism of disease. Based on the available evidence, this variant is classified as Pathogenic.

Labcorp Genetics (formerly Invitae), Labcorp
Classification: Pathogenic for Hereditary breast ovarian cancer syndrome. Last evaluated: 2022-08-16. Review status: criteria provided, single submitter. Criteria: Invitae Variant Classification Sherloc (09022015). Collection method: clinical testing. Allele origin: germline. Not counted in ClinVar's aggregate classification.
Comment: For these reasons, this variant has been classified as Pathogenic. ClinVar contains an entry for this variant (Variation ID: 54205). This variant is also known as c.1454delAA. This premature translational stop signal has been observed in individual(s) with family history of breast cancer and/or ovarian cancer (PMID: 14648706, 29446198). This variant is not present in population databases (gnomAD no frequency). This sequence change creates a premature translational stop signal (p.Arg446Serfs*9) in the BRCA1 gene. It is expected to result in an absent or disrupted protein product. Loss-of-function variants in BRCA1 are known to be pathogenic (PMID: 20104584).

GeneDx
Classification: Pathogenic. Last evaluated: 2017-09-21. Review status: criteria provided, single submitter. Criteria: GeneDx Variant Classification (06012015). Collection method: clinical testing. Allele origin: germline. Affected: yes. Not counted in ClinVar's aggregate classification.
Comment: This deletion of two nucleotides in BRCA1 is denoted c.1335_1336delAA at the cDNA level and p.Arg446SerfsX9 (R446SfsX9) at the protein level. The normal sequence, with the bases that are deleted in brackets, is GTGA[delAA]GAGT. The deletion causes a frameshift which changes an Arginine to a Serine at codon 446, and creates a premature stop codon at position 9 of the new reading frame. This variant is predicted to cause loss of normal protein function through either protein truncation or nonsense-mediated mRNA decay. Also described as BRCA1 1454delAA using alternate nomenclature, this variant has been observed in at least one individual with family history of breast or ovarian cancer (Kadouri 2004). We consider BRCA1 c.1335_1336delAA to be pathogenic.

Consortium of Investigators of Modifiers of BRCA1/2 (CIMBA), c/o University of Cambridge
Classification: Pathogenic for Breast-ovarian cancer, familial, susceptibility to, 1. Last evaluated: 2015-10-02. Review status: criteria provided, single submitter. Criteria: CIMBA Mutation Classification guidelines May 2016. Collection method: clinical testing. Allele origin: germline. Not counted in ClinVar's aggregate classification.

Breast Cancer Information Core (BIC) (BRCA1)
Classification: Pathogenic for Breast-ovarian cancer, familial 1. Last evaluated: 1999-12-30. Review status: no assertion criteria provided. Collection method: clinical testing. Allele origin: germline. Affected: yes. Observed: 1 variant allele. Not counted in ClinVar's aggregate classification.

Literature cited by the submitters: PubMed 14648706 (cited by Color Diagnostics, LLC DBA Color Health and Labcorp Genetics (formerly Invitae), Labcorp); PubMed 29446198 (cited by Color Diagnostics, LLC DBA Color Health and Labcorp Genetics (formerly Invitae), Labcorp); PubMed 20104584 (cited by Labcorp Genetics (formerly Invitae), Labcorp).